The following is an entry in ClinVar:

ClinVar aggregate classification (germline): Pathogenic (1 of 4 stars; one submission).

Submission:

Labcorp Genetics (formerly Invitae), Labcorp
Classification: Pathogenic. Last evaluated: 2020-09-15. Review status: criteria provided, single submitter. Criteria: Invitae Variant Classification Sherloc (09022015). Collection method: clinical testing. Allele origin: germline.
Comment: For these reasons, this variant has been classified as Pathogenic. Loss-of-function variants in NSD1 are known to be pathogenic (PMID: 12464997, 14571271, 15942875, 16247291). This variant has not been reported in the literature in individuals with NSD1-related conditions. This variant is not present in population databases (ExAC no frequency). This sequence change creates a premature translational stop signal (p.Tyr1918*) in the NSD1 gene. It is expected to result in an absent or disrupted protein product.

Literature cited by the submitters: PubMed 12464997; PubMed 14571271; PubMed 15942875; PubMed 16247291.

NM_022455.5(NSD1):c.5753_5754del (p.Leu1917_Tyr1918insTer)

Gene: NSD1 (nuclear receptor binding SET domain protein 1; plus strand). Cytogenetic location: 5q35.3.
Variant type: Deletion.
Coding change: c.5753_5754del on transcript NM_022455.5 (MANE Select); coding-DNA positions 5753 to 5754, 2 bases deleted (AT; older notation c.5753_5754delAT).
Protein change: p.Leu1917_Tyr1918insTer.
Molecular consequence: nonsense. On other transcripts: frameshift variant (11).
Genome position (GRCh38, 1-based): chr5:177,280,695-177,280,696, AT deleted; deleting any 2 consecutive bases within chr5:177,280,694-177,280,696 gives the same sequence; the c. name uses the placement nearest the transcript's 3' end. VCF-style (leftmost placement, unchanged base first): chr5-177280693-CTA-C. GRCh37 (hg19) VCF-style: chr5-176707694-CTA-C.
Other names: c.4880_4881delAT, p.Tyr1627Terfs (NM_001365684.2, NM_001409308.1, NM_001409309.1 and 1 more transcripts); c.5753_5754delAT, p.Tyr1918Terfs (NM_001409301.1, NM_001409302.1, NM_001409303.1); c.5333_5334delAT, p.Tyr1778Terfs (NM_001409304.1); c.5000_5001delAT, p.Tyr1667Terfs (NM_001409305.1); c.4991_4992delAT, p.Tyr1664Terfs (NM_001409306.1, NM_001409307.1).
Identifiers: ClinVar variation 1069132 (VCV001069132.9), dbSNP rs2127257218, ClinGen allele CA2499217785.
Genomic context (GRCh38, chr5:177,280,693, plus strand): 5'-TAAAGCTACTGATGAGAACCCCTGTGGGATAGACTCTGAATGCATCAACCGCATGCTGCT[CTA>C]TGAGTGCCACCCCACAGTGTGTCCTGCCGGAGGGCGCTGTCAAAACCAGTGCTTTTCCAA-3'